The following is an entry in ClinVar:

ClinVar aggregate classification (germline): Uncertain significance (1 of 4 stars; one submission).

Submission:

Labcorp Genetics (formerly Invitae), Labcorp
Classification: Uncertain significance. Last evaluated: 2022-06-13. Review status: criteria provided, single submitter. Criteria: Invitae Variant Classification Sherloc (09022015). Collection method: clinical testing. Allele origin: germline.
Comment: Algorithms developed to predict the effect of missense changes on protein structure and function are either unavailable or do not agree on the potential impact of this missense change (SIFT: "Tolerated"; PolyPhen-2: "Probably Damaging"; Align-GVGD: "Class C0"). This variant has not been reported in the literature in individuals affected with ENPP1-related conditions. This variant is not present in population databases (gnomAD no frequency). This sequence change replaces tyrosine, which is neutral and polar, with histidine, which is basic and polar, at codon 729 of the ENPP1 protein (p.Tyr729His). In summary, the available evidence is currently insufficient to determine the role of this variant in disease. Therefore, it has been classified as a Variant of Uncertain Significance.

NM_006208.3(ENPP1):c.2185T>C (p.Tyr729His)

Gene: ENPP1 (ectonucleotide pyrophosphatase/phosphodiesterase 1; plus strand). Cytogenetic location: 6q23.2.
Variant type: single nucleotide variant.
Coding change: c.2185T>C on transcript NM_006208.3 (MANE Select); coding-DNA position 2185, T replaced by C.
Protein change: p.Tyr729His; replaces tyrosine 729 with histidine.
Molecular consequence: missense variant.
Genome position (GRCh38, 1-based): chr6:131,882,429, T>C. VCF-style: chr6-131882429-T-C. GRCh37 (hg19) VCF-style: chr6-132203569-T-C.
Other names: short protein forms Y729H.
Identifiers: ClinVar variation 1952775 (VCV001952775.5), dbSNP rs2483527429, ClinGen allele CA365654014.